The following is an entry in ClinVar:

ClinVar aggregate classification (germline): Likely benign (1 of 4 stars; one submission).

Submission:

CeGaT Center for Human Genetics Tuebingen
Classification: Likely benign. Last evaluated: 2025-07-01. Review status: criteria provided, single submitter. Criteria: CeGaT Center For Human Genetics Tuebingen Variant Classification Criteria Version 2. Collection method: clinical testing. Allele origin: germline. Affected: yes. Observed: 1 variant allele.
Comment: OR2A42: BP4, BP7

NM_001001802.3(OR2A42):c.40C>T (p.Leu14=)

Genes: ARHGEF35-AS1 (ARHGEF35 antisense RNA 1; plus strand), OR2A42 (olfactory receptor family 2 subfamily A member 42; minus strand). Cytogenetic location: 7q35.
Variant type: single nucleotide variant.
Coding change: c.40C>T on transcript NM_001001802.3 (MANE Select); coding-DNA position 40, C replaced by T.
Protein change: p.Leu14=; no amino-acid change (leucine 14 retained).
Molecular consequence: synonymous variant.
Genome position (GRCh38, 1-based): chr7:144,232,804, G>A on the plus strand (C>T on the coding strand, the complement: OR2A42 is on the minus strand). VCF-style: chr7-144232804-G-A. GRCh37 (hg19) VCF-style: chr7-143929897-G-A.
Identifiers: ClinVar variation 4083872 (VCV004083872.8).